The following is an entry in ClinVar:

NM_014956.5(CEP164):c.1268T>C (p.Leu423Pro)

Gene: CEP164 (centrosomal protein 164; plus strand). Cytogenetic location: 11q23.3.
Variant type: single nucleotide variant.
Coding change: c.1268T>C on transcript NM_014956.5 (MANE Select); coding-DNA position 1268, T replaced by C.
Protein change: p.Leu423Pro; replaces leucine 423 with proline.
Molecular consequence: missense variant.
Genome position (GRCh38, 1-based): chr11:117,375,742, T>C. VCF-style: chr11-117375742-T-C. GRCh37 (hg19) VCF-style: chr11-117246458-T-C.
Other names: c.1268T>C, p.Leu423Pro (NM_001271933.2); short protein forms L423P.
Identifiers: ClinVar variation 937361 (VCV000937361.9), dbSNP rs557486197, ClinGen allele CA6294700.

ClinVar aggregate classification (germline): Uncertain significance (1 of 4 stars; one submission).

Conditions:
Nephronophthisis 15 (NPHP15). Identifiers: Orphanet 3156, MedGen C3541853, MONDO:0013917, OMIM 614845.

Allele frequency attached by ClinVar (database versions not stated): TOPMed below 0.00001; gnomAD exomes 0.00001 and 0.00002; gnomAD 0.00002 and 0.00005; ExAC 0.00003; 1000 Genomes Project 30x 0.00047; 1000 Genomes Project 0.00060.

Submission:

Labcorp Genetics (formerly Invitae), Labcorp
Classification: Uncertain significance for Nephronophthisis 15. Last evaluated: 2024-11-06. Review status: criteria provided, single submitter. Criteria: Invitae Variant Classification Sherloc (09022015). Collection method: clinical testing. Allele origin: germline.
Comment: This sequence change replaces leucine, which is neutral and non-polar, with proline, which is neutral and non-polar, at codon 423 of the CEP164 protein (p.Leu423Pro). This variant is present in population databases (rs557486197, gnomAD 0.01%). This variant has not been reported in the literature in individuals affected with CEP164-related conditions. ClinVar contains an entry for this variant (Variation ID: 937361). An algorithm developed to predict the effect of missense changes on protein structure and function (PolyPhen-2) suggests that this variant is likely to be disruptive. In summary, the available evidence is currently insufficient to determine the role of this variant in disease. Therefore, it has been classified as a Variant of Uncertain Significance.